The following is an entry in ClinVar:

ClinVar aggregate classification (germline): Pathogenic (1 of 4 stars; one submission).

Conditions:
Distal myopathy with posterior leg and anterior hand involvement. Also called: WILLIAMS DISTAL MYOPATHY. Identifiers: Orphanet 63273, MedGen C3279722, MONDO:0013550, OMIM 614065.
Myofibrillar myopathy 5. Also called: FILAMINOPATHY, AUTOSOMAL DOMINANT; Filaminopathy (type). Identifiers: Orphanet 171445, MedGen C1836050, MONDO:0012289, OMIM 609524.
Hypertrophic cardiomyopathy 26. Also called: Cardiomyopathy, familial hypertrophic, 26. Identifiers: Orphanet 75249, MedGen C4310749, MONDO:0014883, OMIM 617047.

Submission:

Labcorp Genetics (formerly Invitae), Labcorp
Classification: Pathogenic for Distal myopathy with posterior leg and anterior hand involvement; Myofibrillar myopathy 5; Hypertrophic cardiomyopathy 26. Last evaluated: 2019-05-02. Review status: criteria provided, single submitter. Criteria: Invitae Variant Classification Sherloc (09022015). Collection method: clinical testing. Allele origin: germline.
Comment: For these reasons, this variant has been classified as Pathogenic. Donor and acceptor splice site variants typically lead to a loss of protein function (PMID: 16199547), and loss-of-function variants in FLNC are known to be pathogenic (PMID: 27908349). Algorithms developed to predict the effect of sequence changes on RNA splicing suggest that this variant may disrupt the consensus splice site, but this prediction has not been confirmed by published transcriptional studies. Disruption of this splice site has been observed in families affected with dilated cardiomyopathy or left-dominant arrhythmogenic cardiomyopathy (PMID: 27908349). This variant is not present in population databases (ExAC no frequency). This sequence change affects a donor splice site in intron 23 of the FLNC gene. It is expected to disrupt RNA splicing and likely results in an absent or disrupted protein product.

Literature cited by the submitters: PubMed 16199547; PubMed 27908349.

NM_001458.5(FLNC):c.4127+1G>T

Gene: FLNC (filamin C; plus strand). Cytogenetic location: 7q32.1.
Variant type: single nucleotide variant.
Coding change: c.4127+1G>T on transcript NM_001458.5 (MANE Select); the canonical splice donor site of the intron after coding-DNA position 4127, G replaced by T.
Molecular consequence: splice donor variant.
Genome position (GRCh38, 1-based): chr7:128,846,464, G>T. VCF-style: chr7-128846464-G-T. GRCh37 (hg19) VCF-style: chr7-128486518-G-T.
Other names: c.4127+1G>T (NM_001127487.2).
Identifiers: ClinVar variation 643473 (VCV000643473.11), dbSNP rs1346981294, ClinGen allele CA369199195.